The following is an entry in ClinVar:

NM_020338.4(ZMIZ1):c.2020-3C>A

Gene: ZMIZ1 (zinc finger MIZ-type containing 1; plus strand). Cytogenetic location: 10q22.3.
Variant type: single nucleotide variant.
Coding change: c.2020-3C>A on transcript NM_020338.4 (MANE Select); 3 bases into the intron before coding-DNA position 2020, C replaced by A.
Molecular consequence: intron variant.
Genome position (GRCh38, 1-based): chr10:79,302,104, C>A. VCF-style: chr10-79302104-C-A. GRCh37 (hg19) VCF-style: chr10-81061861-C-A.
Identifiers: ClinVar variation 2858469 (VCV002858469.3), dbSNP rs1295849419, ClinGen allele CA594433375.

ClinVar aggregate classification (germline): Uncertain significance (1 of 4 stars; one submission).

gnomAD v4.1: 1 of 1,613,802 alleles (0.000062%); highest among the groups gnomAD compares: Admixed American, 0.0017%; no homozygotes.

Submission:

Labcorp Genetics (formerly Invitae), Labcorp
Classification: Uncertain significance. Last evaluated: 2023-04-27. Review status: criteria provided, single submitter. Criteria: Invitae Variant Classification Sherloc (09022015). Collection method: clinical testing. Allele origin: germline.
Comment: In summary, the available evidence is currently insufficient to determine the role of this variant in disease. Therefore, it has been classified as a Variant of Uncertain Significance. Variants that disrupt the consensus splice site are a relatively common cause of aberrant splicing (PMID: 17576681, 9536098). Algorithms developed to predict the effect of sequence changes on RNA splicing suggest that this variant may create or strengthen a splice site. This variant has not been reported in the literature in individuals affected with ZMIZ1-related conditions. This variant is present in population databases (no rsID available, gnomAD 0.003%). This sequence change falls in intron 17 of the ZMIZ1 gene. It does not directly change the encoded amino acid sequence of the ZMIZ1 protein. It affects a nucleotide within the consensus splice site.

Literature cited by the submitters: PubMed 17576681; PubMed 9536098.